The following is an entry in ClinVar:

NM_005857.5(ZMPSTE24):c.*890A>G

Gene: ZMPSTE24 (zinc metallopeptidase STE24; plus strand). Cytogenetic location: 1p34.2.
Variant type: single nucleotide variant.
Coding change: c.*890A>G on transcript NM_005857.5 (MANE Select); 890 bases downstream of the stop codon, A replaced by G.
Molecular consequence: 3 prime UTR variant.
Genome position (GRCh38, 1-based): chr1:40,293,559, A>G. VCF-style: chr1-40293559-A-G. GRCh37 (hg19) VCF-style: chr1-40759231-A-G.
Other names: c.*890A>G (LRG_212t1).
Identifiers: ClinVar variation 140501 (VCV000140501.6), dbSNP rs10489432, ClinGen allele CA232708.

ClinVar aggregate classification (germline): Benign. Review status: criteria provided, multiple submitters, no conflicts (2 of 4 stars). 4 submissions from 3 submitters: Benign (3). 1 of the submissions does not count toward it. Last evaluated 2018-01-12.

Conditions:
Lethal tight skin contracture syndrome. Also called: RESTRICTIVE DERMOPATHY, LETHAL; FETAL HYPOKINESIA SEQUENCE DUE TO RESTRICTIVE DERMOPATHY; HYPERKERATOSIS-CONTRACTURE SYNDROME; Restrictive dermopathy. Identifiers: Orphanet 1662, MedGen C0406585, MONDO:0031213.
Mandibuloacral dysplasia with type B lipodystrophy (MADB). Also called: LIPODYSTROPHY, TYPE B, ASSOCIATED WITH MANDIBULOACRAL DYSPLASIA. Identifiers: Orphanet 2457, Orphanet 90154, MedGen C1837756, MONDO:0012074, OMIM 608612.

Allele frequency attached by ClinVar (database versions not stated): gnomAD 0.07969 and 0.07352; 1000 Genomes Project 30x 0.12149; 1000 Genomes Project 0.12560; TOPMed 0.08443.

Submissions (4):

Illumina Laboratory Services, Illumina
Classification: Benign for Restrictive dermopathy 1. Last evaluated: 2018-01-12. Review status: criteria provided, single submitter. Criteria: ICSL Variant Classification Criteria 13 December 2019. Collection method: clinical testing. Allele origin: germline.
Comment: This variant was observed in the ICSL laboratory as part of a predisposition screen in an ostensibly healthy population. It had not been previously curated by ICSL or reported in the Human Gene Mutation Database (HGMD: prior to June 1st, 2018), and was therefore a candidate for classification through an automated scoring system. Utilizing variant allele frequency, disease prevalence and penetrance estimates, and inheritance mode, an automated score was calculated to assess if this variant is too frequent to cause the disease. Based on the score and internal cut-off values, a variant classified as benign is not then subjected to further curation. The score for this variant resulted in a classification of benign for this disease.

Illumina Laboratory Services, Illumina
Classification: Benign for Mandibuloacral dysplasia with type B lipodystrophy. Last evaluated: 2018-01-12. Review status: criteria provided, single submitter. Criteria: ICSL Variant Classification Criteria 13 December 2019. Collection method: clinical testing. Allele origin: germline.
Comment: the same text as in the submission from Illumina Laboratory Services, Illumina above.

Breakthrough Genomics
Classification: Benign. Review status: criteria provided, single submitter. Criteria: ACMG Guidelines, 2015. Collection method: not provided. Allele origin: germline. Inheritance: Autosomal recessive inheritance. Affected: yes.

ZMPSTE24 homepage - Leiden Muscular Dystrophy pages
No classification provided. Review status: no classification provided. Collection method: not provided. Allele origin: germline. Not counted in ClinVar's aggregate classification.
Comment: no known functional consequence